The following is an entry in ClinVar:

NM_033637.4(BTRC):c.801T>A (p.Phe267Leu)

Gene: BTRC (beta-transducin repeat containing E3 ubiquitin protein ligase; plus strand). Cytogenetic location: 10q24.32.
Variant type: single nucleotide variant.
Coding change: c.801T>A on transcript NM_033637.4 (MANE Select); coding-DNA position 801, T replaced by A.
Protein change: p.Phe267Leu; replaces phenylalanine 267 with leucine.
Molecular consequence: missense variant.
Genome position (GRCh38, 1-based): chr10:101,531,294, T>A. VCF-style: chr10-101531294-T-A. GRCh37 (hg19) VCF-style: chr10-103291051-T-A.
Other names: c.723T>A, p.Phe241Leu (NM_001256856.2); c.693T>A, p.Phe231Leu (NM_003939.5); short protein forms F231L, F241L, F267L.
Identifiers: ClinVar variation 3607723 (VCV003607723.2).

ClinVar aggregate classification (germline): Uncertain significance (1 of 4 stars; one submission).

Submission:

Labcorp Genetics (formerly Invitae), Labcorp
Classification: Uncertain significance. Last evaluated: 2024-10-30. Review status: criteria provided, single submitter. Criteria: Invitae Variant Classification Sherloc (09022015). Collection method: clinical testing. Allele origin: germline.
Comment: This sequence change replaces phenylalanine, which is neutral and non-polar, with leucine, which is neutral and non-polar, at codon 267 of the BTRC protein (p.Phe267Leu). This variant is not present in population databases (gnomAD no frequency). This variant has not been reported in the literature in individuals affected with BTRC-related conditions. An algorithm developed to predict the effect of missense changes on protein structure and function (PolyPhen-2) suggests that this variant is likely to be tolerated. In summary, the available evidence is currently insufficient to determine the role of this variant in disease. Therefore, it has been classified as a Variant of Uncertain Significance.